The following is an entry in ClinVar:

ClinVar aggregate classification (germline): Pathogenic. Review status: reviewed by expert panel (3 of 4 stars). 10 submissions from 10 submitters: Pathogenic (1). 9 of the submissions do not count toward it. Last evaluated 2020-10-15.

Conditions:
Autosomal recessive PAH-related disorders.
6-Pyruvoyl-tetrahydrobiopterin synthase deficiency. Also called: Hyperphenylalanemia, BH4-deficient, A; Hyperphenylalaninemia due to 6-pyruvoyl-tetrahydropterin synthase deficiency; PTS DEFICIENCY; HYPERPHENYLALANINEMIA, TETRAHYDROBIOPTERIN-DEFICIENT, DUE TO PTS DEFICIENCY; PTS-Related Tetrahydrobiopterin Deficiency; 6-Pyruvoyltetrahydropterin Synthase Deficiency. Identifiers: Orphanet 13, Orphanet 238583, MedGen C0878676, MONDO:0009863, OMIM 261640.
Phenylketonuria (PKU). Also called: Phenylketonurias; OLIGOPHRENIA PHENYLPYRUVICA; FOLLING DISEASE; Phenylketonuria (PKU). Identifiers: Orphanet 716, MedGen C0031485, MONDO:0009861, OMIM 261600. Disease mechanism: loss of function.

Allele frequency attached by ClinVar (database versions not stated): TOPMed 0.00003.
gnomAD v4.1: 45 of 1,613,912 alleles (0.0028%); highest among the groups gnomAD compares: South Asian, 0.0066%; no homozygotes.

Submissions (10):

ClinGen PAH Variant Curation Expert Panel
Classification: Pathogenic for Phenylketonuria. Last evaluated: 2020-10-15. Review status: reviewed by expert panel. Criteria: ClinGen PAH ACMG Specifications v1. Collection method: curation. Allele origin: germline. Inheritance: Autosomal recessive inheritance.
Comment: This c.527G>A (p.Arg176Gln) variant in PAH was reported in at least two patients with PAH deficiency (PMID: 30459323, 26210745, and 27121329) and detected with pathogenic variants p.Val388Met, p.Arg158Gln, and Arg243Gln (PMID: 27121329,10234516, and 30459323). This variant has extremely low frequency in gnomAD (MAF=0.00007). One other missense variant at this amino acid residue is determined to be pathogenic in ClinVar: p.Arg176Leu by nine submitters. In summary, this variant meets criteria to be classified as pathogenic for PAH. PAH-specific AMCG/AMP criteria applied: PM3_strong, PM2, PM5, and PP4_moderate.

Labcorp Genetics (formerly Invitae), Labcorp
Classification: Pathogenic for Phenylketonuria. Last evaluated: 2026-01-11. Review status: criteria provided, single submitter. Criteria: Invitae Variant Classification Sherloc (09022015). Collection method: clinical testing. Allele origin: germline. Not counted in ClinVar's aggregate classification.
Comment: This sequence change replaces arginine, which is basic and polar, with glutamine, which is neutral and polar, at codon 176 of the PAH protein (p.Arg176Gln). This variant is present in population databases (rs74486803, gnomAD 0.006%). This missense change has been observed in individuals with hyperphenylalaninemia (PMID: 10234516, 23500595, 26210745, 27121329, 30459323). ClinVar contains an entry for this variant (Variation ID: 102724). Invitae Evidence Modeling of protein sequence and biophysical properties (such as structural, functional, and spatial information, amino acid conservation, physicochemical variation, residue mobility, and thermodynamic stability) indicates that this missense variant is not expected to disrupt PAH protein function with a negative predictive value of 80%. This variant disrupts the p.Arg176 amino acid residue in PAH. Other variant(s) that disrupt this residue have been determined to be pathogenic (PMID: 8088845, 23500595, 27121329). This suggests that this residue is clinically significant, and that variants that disrupt this residue are likely to be disease-causing. For these reasons, this variant has been classified as Pathogenic.

Variantyx, Inc.
Classification: Pathogenic for Autosomal recessive PAH-related disorders. Last evaluated: 2025-10-23. Review status: criteria provided, single submitter. Criteria: Variantyx Assertion Criteria 2022. Collection method: clinical testing. Allele origin: germline. Inheritance: Autosomal recessive inheritance. Affected: yes. Not counted in ClinVar's aggregate classification.
Comment: This is a nonsynonymous variant in the PAH gene (OMIM: 612349). Pathogenic variants in this gene have been associated with autosomal recessive PAH-related disorders. The clinical symptoms reported for this individual are highly specific for autosomal recessive PAH-related disorders, which has a limited genetic etiology (PMID: 30459323) (PP4). An alternate amino acid change at this position (p.Arg176Leu) has been previously reported in similarly affected individuals, which suggests that this residue is biologically important (PMID: 27121329, 9634518, 29288420) (PM5). This variant has a 0.0066% maximum allele frequency in non-founder control populations (PM2). Based on the current evidence, this variant is classified as pathogenic for autosomal recessive PAH-related disorders.

GeneDx
Classification: Pathogenic. Last evaluated: 2025-07-07. Review status: criteria provided, single submitter. Criteria: GeneDx Variant Classification Process June 2021. Collection method: clinical testing. Allele origin: germline. Affected: yes. Not counted in ClinVar's aggregate classification.
Comment: Not observed at significant frequency in large population cohorts (gnomAD); In silico analysis suggests that this missense variant does not alter protein structure/function; This variant is associated with the following publications: (PMID: 27121329, 30459323, 23500595, 29499199, 26210745, 30275481, 32668217, 35095998, 31947737, 10234516, 8088845)

Women's Health and Genetics/Laboratory Corporation of America, LabCorp
Classification: Pathogenic for 6-Pyruvoyl-tetrahydrobiopterin synthase deficiency. Last evaluated: 2025-07-01. Review status: criteria provided, single submitter. Criteria: LabCorp Variant Classification Summary - May 2015. Collection method: clinical testing. Allele origin: germline. Not counted in ClinVar's aggregate classification.
Comment: Variant summary: PAH c.527G>A (p.Arg176Gln) results in a conservative amino acid change in the encoded protein sequence. Algorithms developed to predict the effect of missense changes on protein structure and function are either unavailable or do not agree on the potential impact of this missense change. The variant allele was found at a frequency of 2.8e-05 in 251160 control chromosomes. c.527G>A has been observed in individual(s) affected with Hyperphenylalaninemia (e.g. Desviat_1999, Trunzo_2015, Aldamiz-Echevarris_2016, Chen_2018). These data indicate that the variant is likely to be associated with disease. A different variant affecting the same codon has been classified as pathogenic by our lab (c.527G>T, p.Arg176Leu), supporting the critical relevance of codon 176 to PAH protein function. The following publications have been ascertained in the context of this evaluation (PMID: 27121329, 30459323, 10234516, 26210745). ClinVar contains an entry for this variant (Variation ID: 102724). Based on the evidence outlined above, the variant was classified as pathogenic.

Natera, Inc.
Classification: Pathogenic for Phenylketonuria. Last evaluated: 2024-09-26. Review status: criteria provided, single submitter. Criteria: Natera Variant Classification Schema (03/2026). Collection method: clinical testing. Allele origin: germline. Not counted in ClinVar's aggregate classification.
Comment: The c.527G>A variant in PAH is a missense variant predicted to cause substitution of arginine to glutamine at amino acid 176. This variant is rare in the general population with a frequency below the threshold expected for the associated phenotype(s). This variant has been observed in one or more individuals affected with the associated recessive disease, as either homozygous or compound heterozygous with a second variant (PMID: 27121329, 35095998, 10234516, 33980295). A different variant at the same position has been determined to be Pathogenic or Likely Pathogenic. Given the available evidence, this variant is classified as Pathogenic.

3billion
Classification: Pathogenic for Phenylketonuria. Last evaluated: 2022-09-01. Review status: criteria provided, single submitter. Criteria: ACMG Guidelines, 2015. Collection method: clinical testing. Allele origin: germline. Affected: yes. Observed: 1 heterozygote. Not counted in ClinVar's aggregate classification.
Comment: The variant is observed at an extremely low frequency in the gnomAD v2.1.1 dataset (total allele frequency: 0.003%). It is located in a mutational hot spot and/or well-established functional domain in which established pathogenic variants have been reported. Missense changes are a common disease-causing mechanism. In silico tool predictions suggest damaging effect of the variant on gene or gene product (REVEL: 0.62; 3Cnet: 0.51). Same nucleotide change resulting in same amino acid change has been previously reported as pathogenic/likely pathogenic with strong evidence (ClinVar ID: VCV000102724). The variant has been reported to be in trans with a pathogenic variant as either compound heterozygous or homozygous in at least 2 similarly affected unrelated individuals (PMID: 10234516 , 27121329 , 30459323). Different missense changes at the same codon (p.Arg176Leu, p.Arg176Pro) have been reported as pathogenic/likely pathogenic with strong evidence (ClinVar ID: VCV000000631 , VCV000102725). Therefore, this variant is classified as Pathogenic according to the recommendation of ACMG/AMP guideline.

Myriad Genetics, Inc.
Classification: Likely pathogenic for Phenylketonuria. Last evaluated: 2021-11-10. Review status: criteria provided, single submitter. Criteria: Myriad Women's Health Autosomal Recessive and X-Linked Classification Criteria (2021). Collection method: clinical testing. Allele origin: unknown. Not counted in ClinVar's aggregate classification.
Comment: NM_000277.1(PAH):c.527G>A(R176Q) is a missense variant classified as likely pathogenic in the context of phenylalanine hydroxylase deficiency. The R176Q variant can be associated with variant or non-PKU hyperphenylalaninemia. R176Q has been observed in cases with relevant disease (PMID: 10234516, 29499199, 26210745, 30459323, 27121329, Gundorova_2017_(no PMID; article), Tao_2019_(no PMID; poster), 32668217). Functional assessments of this variant are not available in the literature. R176Q has been observed in population frequency databases (gnomAD: SAS 0.01%). In summary, NM_000277.1(PAH):c.527G>A(R176Q) is a missense variant that has been observed more frequently in cases with the relevant disease than in healthy populations. Please note: this variant was assessed in the context of healthy population screening.

Juno Genomics, Hangzhou Juno Genomics, Inc
Classification: Pathogenic for Phenylketonuria. Review status: criteria provided, single submitter. Criteria: ACMG Guidelines, 2015. Collection method: clinical testing. Allele origin: germline. Not counted in ClinVar's aggregate classification.
Comment: Absent from controls (or at extremely low frequency if recessive) in Genome Aggregation Database.;For recessive disorders, detected in trans with a pathogenic variant.;Patient's phenotype or family history is highly specific for a disease with a single genetic etiology.;Novel missense change at an amino acid residue where a different missense change determined to be pathogenic has been seen before.

DeBelle Laboratory for Biochemical Genetics, MUHC/MCH RESEARCH INSTITUTE
No classification provided. Review status: no classification provided. Collection method: not provided. Allele origin: not provided. Not counted in ClinVar's aggregate classification.

Literature cited by the submitters: PubMed 26210745 (cited by 4 submitters); PubMed 30459323 (cited by 6 submitters); PubMed 10234516 (cited by 7 submitters); PubMed 27121329 (cited by 7 submitters); PubMed 23500595 (cited by Labcorp Genetics (formerly Invitae), Labcorp); PubMed 8088845 (cited by Labcorp Genetics (formerly Invitae), Labcorp); PubMed 35095998 (cited by Variantyx, Inc. and Natera, Inc.); PubMed 32668217 (cited by Variantyx, Inc. and Myriad Genetics, Inc.); PubMed 33980295 (cited by Natera, Inc.); PubMed 29499199 (cited by Myriad Genetics, Inc.).

NM_000277.3(PAH):c.527G>A (p.Arg176Gln)

Gene: PAH (phenylalanine hydroxylase; minus strand). Cytogenetic location: 12q23.2.
Variant type: single nucleotide variant.
Coding change: c.527G>A on transcript NM_000277.3 (MANE Select); coding-DNA position 527, G replaced by A.
Protein change: p.Arg176Gln; replaces arginine 176 with glutamine.
Molecular consequence: missense variant.
Genome position (GRCh38, 1-based): chr12:102,855,315, C>T on the plus strand (G>A on the coding strand, the complement: PAH is on the minus strand). VCF-style: chr12-102855315-C-T. GRCh37 (hg19) VCF-style: chr12-103249093-C-T.
Other names: c.527G>A, p.Arg176Gln (NM_001354304.2); c.527G>A (NM_000277.2); short protein forms R176Q.
Identifiers: ClinVar variation 102724 (VCV000102724.24), dbSNP rs74486803, ClinGen allele CA229606.
Genomic context (GRCh38, chr12:102,855,315, plus strand): 5'-GACTTCAGAGTCTTGAACACTGTGCCCCATGTTTTCTTTTCTTCCTCCATGTATTCCACT[C>T]GAGGGATGGGCTGCCCACTAGAATACAGGCACAAAATAGGTGTCTCAAGCAGGGCAGGGG-3'
Protein context (NP_000268.1, residues 166-186): YNYRHGQPIP[Arg176Gln]VEYMEEEKKT